The following is an entry in ClinVar:

ClinVar aggregate classification (germline): Uncertain significance (1 of 4 stars; one submission).

Conditions:
Neurofibromatosis, type 1 (NF1). Also called: VON RECKLINGHAUSEN DISEASE; Neurofibromatosis, type I; NEUROFIBROMATOSIS, TYPE I, SOMATIC; Peripheral type neurofibromatosis. Identifiers: Orphanet 636, MedGen C0027831, MONDO:0018975, OMIM 162200. Disease mechanism: loss of function.

Submission:

Labcorp Genetics (formerly Invitae), Labcorp
Classification: Uncertain significance for Neurofibromatosis, type 1. Last evaluated: 2025-08-13. Review status: criteria provided, single submitter. Criteria: Invitae Variant Classification Sherloc (09022015). Collection method: clinical testing. Allele origin: germline.
Comment: This sequence change replaces glutamic acid, which is acidic and polar, with aspartic acid, which is acidic and polar, at codon 479 of the NF1 protein (p.Glu479Asp). This variant is not present in population databases (gnomAD no frequency). This variant has not been reported in the literature in individuals affected with NF1-related conditions. Invitae Evidence Modeling of protein sequence and biophysical properties (such as structural, functional, and spatial information, amino acid conservation, physicochemical variation, residue mobility, and thermodynamic stability) indicates that this missense variant is not expected to disrupt NF1 protein function with a negative predictive value of 95%. In summary, the available evidence is currently insufficient to determine the role of this variant in disease. Therefore, it has been classified as a Variant of Uncertain Significance.

NM_001042492.3(NF1):c.1437A>C (p.Glu479Asp)

Gene: NF1 (neurofibromin 1; plus strand). Cytogenetic location: 17q11.2.
Variant type: single nucleotide variant.
Coding change: c.1437A>C on transcript NM_001042492.3 (MANE Select); coding-DNA position 1437, A replaced by C.
Protein change: p.Glu479Asp; replaces glutamic acid 479 with aspartic acid.
Molecular consequence: missense variant.
Genome position (GRCh38, 1-based): chr17:31,214,495, A>C. VCF-style: chr17-31214495-A-C. GRCh37 (hg19) VCF-style: chr17-29541513-A-C.
Other names: c.1437A>C, p.Glu479Asp (NM_000267.4, NM_001128147.3); short protein forms E479D.
Identifiers: ClinVar variation 4800723 (VCV004800723.1).